The following is an entry in ClinVar:

NM_005198.5(CHKB):c.737-16C>T

Genes: CHKB (choline kinase beta; minus strand), CHKB-CPT1B (CHKB-CPT1B readthrough (NMD candidate); minus strand). Cytogenetic location: 22q13.33.
Variant type: single nucleotide variant.
Coding change: c.737-16C>T on transcript NM_005198.5 (MANE Select); 16 bases into the intron before coding-DNA position 737, C replaced by T.
Molecular consequence: intron variant.
Genome position (GRCh38, 1-based): chr22:50,580,287, G>A on the plus strand (C>T on the coding strand, the complement: CHKB is on the minus strand). VCF-style: chr22-50580287-G-A. GRCh37 (hg19) VCF-style: chr22-51018716-G-A.
Identifiers: ClinVar variation 389434 (VCV000389434.8), dbSNP rs773669615, ClinGen allele CA10323648.
Genomic context (GRCh38, chr22:50,580,287, plus strand): 5'-TGAGGCTGTCAGCATTTTCTGGCTCTGAGAGCAGCAAGATGTTCCCTGGGGGAATGGGGT[G>A]AGGTTCTGCTCACTCCAGAGCCCTCTGGCTCTTCCATCTTGGGTTAGGAGACTCAGATGC-3'

ClinVar aggregate classification (germline): Likely benign. Review status: criteria provided, multiple submitters, no conflicts (2 of 4 stars). 2 submissions from 2 submitters: Likely benign (2). Last evaluated 2025-06-02.

Conditions:
Megaconial type congenital muscular dystrophy (MDCMC). Also called: CHKB-Related Muscular Dystrophy; CHKB-Related Muscle Diseases; MUSCULAR DYSTROPHY, CONGENITAL, WITH MITOCHONDRIAL STRUCTURAL ABNORMALITIES. Identifiers: Orphanet 280671, MedGen C1865233, MONDO:0011246, OMIM 602541.

Allele frequency attached by ClinVar (database versions not stated): TOPMed 0.00002; gnomAD exomes 0.00003 and 0.00005; ExAC 0.00004; gnomAD 0.00004.

Submissions (2):

Labcorp Genetics (formerly Invitae), Labcorp
Classification: Likely benign for Megaconial type congenital muscular dystrophy. Last evaluated: 2025-06-02. Review status: criteria provided, single submitter. Criteria: Invitae Variant Classification Sherloc (09022015). Collection method: clinical testing. Allele origin: germline.

GeneDx
Classification: Likely benign. Last evaluated: 2016-10-12. Review status: criteria provided, single submitter. Criteria: GeneDx Variant Classification (06012015). Collection method: clinical testing. Allele origin: germline. Affected: yes.
Comment: This variant is considered likely benign or benign based on one or more of the following criteria: it is a conservative change, it occurs at a poorly conserved position in the protein, it is predicted to be benign by multiple in silico algorithms, and/or has population frequency not consistent with disease.